The following is an entry in ClinVar:

NM_052947.4(ALPK2):c.1730A>G (p.Gln577Arg)

Gene: ALPK2 (alpha kinase 2; minus strand). Cytogenetic location: 18q21.31.
Variant type: single nucleotide variant.
Coding change: c.1730A>G on transcript NM_052947.4 (MANE Select); coding-DNA position 1730, A replaced by G.
Protein change: p.Gln577Arg; replaces glutamine 577 with arginine.
Molecular consequence: missense variant.
Genome position (GRCh38, 1-based): chr18:58,579,046, T>C on the plus strand (A>G on the coding strand, the complement: ALPK2 is on the minus strand). VCF-style: chr18-58579046-T-C. GRCh37 (hg19) VCF-style: chr18-56246278-T-C.
Other names: short protein forms Q577R.
Identifiers: ClinVar variation 1778970 (VCV001778970.2), dbSNP rs2518898640, ClinGen allele CA402560585.

ClinVar aggregate classification (germline): Uncertain significance (1 of 4 stars; one submission).

Submission:

Ambry Genetics
Classification: Uncertain significance. Last evaluated: 2021-07-24. Review status: criteria provided, single submitter. Criteria: Ambry Variant Classification Scheme 2023. Collection method: clinical testing. Allele origin: germline.
Comment: The p.Q577R variant (also known as c.1730A>G), located in coding exon 3 of the ALPK2 gene, results from an A to G substitution at nucleotide position 1730. The glutamine at codon 577 is replaced by arginine, an amino acid with highly similar properties. This amino acid position is conserved. In addition, this alteration is predicted to be tolerated by in silico analysis. Since supporting evidence is limited at this time, the clinical significance of this alteration remains unclear.